The following is an entry in ClinVar:

NM_000465.4(BARD1):c.188T>G (p.Leu63Ter)

Gene: BARD1 (BRCA1 associated RING domain 1; minus strand). Cytogenetic location: 2q35.
Variant type: single nucleotide variant.
Coding change: c.188T>G on transcript NM_000465.4 (MANE Select); coding-DNA position 188, T replaced by G.
Protein change: p.Leu63Ter; replaces leucine 63 with a stop codon.
Molecular consequence: nonsense. On other transcripts: non-coding transcript variant (2), intron variant (2).
Genome position (GRCh38, 1-based): chr2:214,797,088, A>C on the plus strand (T>G on the coding strand, the complement: BARD1 is on the minus strand). VCF-style: chr2-214797088-A-C. GRCh37 (hg19) VCF-style: chr2-215661812-A-C.
Other names: NM_000465.4:c.188T>G (p.Leu63Ter); c.188T>G, p.Leu63Ter (NM_001282545.2, NM_001282549.2); c.158+12324T>G (NM_001282548.2); c.159-4643T>G (NM_001282543.2); short protein forms L63*.
Identifiers: ClinVar variation 4975019 (VCV004975019.1).

ClinVar aggregate classification (germline): Likely pathogenic (1 of 4 stars; one submission).

Conditions:
Hereditary cancer-predisposing syndrome. Also called: Neoplastic Syndromes, Hereditary; Tumor predisposition; Hereditary neoplastic syndrome; Hereditary Cancer Syndrome. Identifiers: Orphanet 140162, MedGen C0027672, MeSH D009386, MONDO:0015356.

Submission:

Umrani?ye Training and Research Hospital
Classification: Likely pathogenic for Hereditary cancer-predisposing syndrome. Last evaluated: 2026-09-12. Review status: criteria provided, single submitter. Criteria: ACMG Guidelines, 2015. Collection method: clinical testing. Allele origin: germline. Affected: yes. Observed: 1 variant allele.
Comment: Reassessed 2026-09-12 under ACMG/AMP 2015 with ClinGen SVI recommendations. Criteria met: PVS1, PM2_Supporting. gnomAD v4.1: Absent.